The following is an entry in ClinVar:

ClinVar aggregate classification (germline): Conflicting classifications of pathogenicity. Review status: criteria provided, conflicting classifications (1 of 4 stars). 11 submissions from 11 submitters: Uncertain significance (5); Likely benign (4). 2 of the submissions do not count toward it. Last evaluated 2026-07-01.

Conditions:
PHKB-related disorder. Also called: PHKB-related condition.
Glycogen storage disease IXb (GSD9B). Also called: PHOSPHORYLASE KINASE DEFICIENCY OF LIVER AND MUSCLE, AUTOSOMAL RECESSIVE; GLYCOGENOSIS OF LIVER AND MUSCLE, AUTOSOMAL RECESSIVE; GSD IXb. Identifiers: Orphanet 79240, MedGen C0543514, MONDO:0009868, OMIM 261750.

Allele frequency attached by ClinVar (database versions not stated): 1000 Genomes Project 0.00140; 1000 Genomes Project 30x 0.00141; TOPMed 0.00309.
gnomAD v4.1: 6,098 of 1,604,956 alleles (0.38%); highest among the groups gnomAD compares: Non-Finnish European, 0.49%; 17 homozygotes.

Submissions (11):

CeGaT Center for Human Genetics Tuebingen
Classification: Likely benign. Last evaluated: 2026-07-01. Review status: criteria provided, single submitter. Criteria: CeGaT Center For Human Genetics Tuebingen Variant Classification Criteria Version 2. Collection method: clinical testing. Allele origin: germline. Affected: yes. Observed: 16 variant alleles.
Comment: PHKB: BS2

Labcorp Genetics (formerly Invitae), Labcorp
Classification: Likely benign for Glycogen storage disease IXb. Last evaluated: 2026-02-04. Review status: criteria provided, single submitter. Criteria: Invitae Variant Classification Sherloc (09022015). Collection method: clinical testing. Allele origin: germline.

Mayo Clinic Laboratories, Mayo Clinic
Classification: Uncertain significance. Last evaluated: 2025-12-10. Review status: criteria provided, single submitter. Criteria: ACMG Guidelines, 2015. Collection method: clinical testing. Allele origin: germline. Observed: 4 variant alleles.
Comment: BS1

Women's Health and Genetics/Laboratory Corporation of America, LabCorp
Classification: Likely benign. Last evaluated: 2023-10-13. Review status: criteria provided, single submitter. Criteria: LabCorp Variant Classification Summary - May 2015. Collection method: clinical testing. Allele origin: germline.
Comment: Variant summary: PHKB c.1969C>A (p.Gln657Lys) results in a conservative amino acid change in the encoded protein sequence. Four of five in-silico tools predict a damaging effect of the variant on protein function. Consensus agreement among computation tools predict no significant impact on normal splicing. However, these predictions have yet to be confirmed by functional studies. The variant allele was found at a frequency of 0.0028 in 251224 control chromosomes, predominantly at a frequency of 0.0052 within the Non-Finnish European subpopulation in the gnomAD database, including 2 homozygotes. The observed variant frequency within Non-Finnish European control individuals in the gnomAD database is approximately 5 fold of the estimated maximal expected allele frequency for a pathogenic variant in PHKB causing Glycogen Phosphorylase Kinase Deficiency phenotype (0.0011), strongly suggesting that the variant is a benign polymorphism found primarily in populations of Non-Finnish European origin. c.1969C>A has been reported in the literature in individuals affected with Glycogen Phosphorylase Kinase Deficiency or Limb girdle muscular dystrophies (Burwinkel_2003, Fichna_2018). These reports do not provide unequivocal conclusions about association of the variant with Glycogen Phosphorylase Kinase Deficiency. To our knowledge, no experimental evidence demonstrating an impact on protein function has been reported. The following publications have been ascertained in the context of this evaluation (PMID: 17689125, 12825073, 29970176, 24082139, 28146470, 31214250). Eight submitters have cited clinical-significance assessments for this variant to ClinVar after 2014 and classified this variant as uncertain significance (n=6) and likely benign (n=2). Based on the evidence outlined above, the variant was classified as likely benign.

MGZ Medical Genetics Center
Classification: Uncertain significance for Glycogen storage disease IXb. Last evaluated: 2022-08-05. Review status: criteria provided, single submitter. Criteria: ACMG Guidelines, 2015. Collection method: clinical testing. Allele origin: germline. Affected: yes. Observed: 1 variant allele.
Comment: ACMG criteria applied: PM3, PP3

GeneDx
Classification: Uncertain significance. Last evaluated: 2022-03-14. Review status: criteria provided, single submitter. Criteria: GeneDx Variant Classification Process June 2021. Collection method: clinical testing. Allele origin: germline. Affected: yes.
Comment: Reported as a variant of unclear significance in the heterozygous state in an individual with muscle glycogenosis and low phosphorylase kinase activity in whom a second PHKB variant was not identified (Burwinkle et al., 2003); Identified in a patient with myopathy and limb-girdle weakness with a second variant in PHKB, as well as variants in other genes but segregation information and in vitro functional studies were not included (Rotwein et al., 2020); In silico analysis supports that this missense variant has a deleterious effect on protein structure/function; This variant is associated with the following publications: (PMID: 24082139, 28146470, 12825073, 29970176)

Fulgent Genetics
Classification: Uncertain significance for Glycogen storage disease IXb. Last evaluated: 2018-10-31. Review status: criteria provided, single submitter. Criteria: ACMG Guidelines, 2015. Collection method: clinical testing. Allele origin: unknown.

Illumina Laboratory Services, Illumina
Classification: Likely benign for Glycogen storage disease IXb. Last evaluated: 2017-04-27. Review status: criteria provided, single submitter. Criteria: ICSL Variant Classification Criteria 13 December 2019. Collection method: clinical testing. Allele origin: germline.
Comment: This variant was observed as part of a predisposition screen in an ostensibly healthy population. A literature search was performed for the gene, cDNA change, and amino acid change (where applicable). Publications were found based on this search. The evidence from the literature, in combination with allele frequency data from public databases where available, was sufficient to determine this variant is unlikely to cause disease. Therefore, this variant is classified as likely benign.

Eurofins Ntd Llc (ga)
Classification: Uncertain significance. Last evaluated: 2016-06-03. Review status: criteria provided, single submitter. Criteria: EGL Classification Definitions 2015. Collection method: clinical testing. Allele origin: germline. Observed: 4 variant alleles, 4 heterozygotes.

PreventionGenetics, part of Exact Sciences
Classification: Likely benign for PHKB-related condition. Last evaluated: 2023-02-09. Review status: no assertion criteria provided. Collection method: clinical testing. Allele origin: germline. Not counted in ClinVar's aggregate classification.
Comment: This variant is classified as likely benign based on ACMG/AMP sequence variant interpretation guidelines (Richards et al. 2015 PMID: 25741868, with internal and published modifications).

GeneReviews
No classification provided. Condition: Glycogen storage disease IXb. Review status: no classification provided. Collection method: literature only. Allele origin: germline. Not counted in ClinVar's aggregate classification.

Literature cited by the submitters: PubMed 12825073 (cited by 3 submitters); PubMed 17689125 (cited by Mayo Clinic Laboratories, Mayo Clinic and Women's Health and Genetics/Laboratory Corporation of America, LabCorp); PubMed 24082139 (cited by Mayo Clinic Laboratories, Mayo Clinic and Women's Health and Genetics/Laboratory Corporation of America, LabCorp); PubMed 29970176 (cited by Mayo Clinic Laboratories, Mayo Clinic and Women's Health and Genetics/Laboratory Corporation of America, LabCorp); PubMed 31214250 (cited by Women's Health and Genetics/Laboratory Corporation of America, LabCorp); PubMed 28146470 (cited by Women's Health and Genetics/Laboratory Corporation of America, LabCorp).

NM_000293.3(PHKB):c.1969C>A (p.Gln657Lys)

Gene: PHKB (phosphorylase kinase regulatory subunit beta; plus strand). Cytogenetic location: 16q12.1.
Variant type: single nucleotide variant.
Coding change: c.1969C>A on transcript NM_000293.3 (MANE Select); coding-DNA position 1969, C replaced by A.
Protein change: p.Gln657Lys; replaces glutamine 657 with lysine.
Molecular consequence: missense variant.
Genome position (GRCh38, 1-based): chr16:47,650,919, C>A. VCF-style: chr16-47650919-C-A. GRCh37 (hg19) VCF-style: chr16-47684830-C-A.
Other names: c.1948C>A, p.Gln650Lys (NM_001031835.3); c.1969C>A, p.Gln657Lys (NM_001363837.1); c.1948C>A (NM_001031835.2); short protein forms Q657K, Q650K.
Identifiers: ClinVar variation 281127 (VCV000281127.61), dbSNP rs34667348, ClinGen allele CA8041017.